The following is an entry in ClinVar:

NM_001384732.1(CPLANE1):c.1784T>G (p.Leu595Ter)

Gene: CPLANE1 (ciliogenesis and planar polarity effector complex subunit 1; minus strand). Cytogenetic location: 5p13.2.
Variant type: single nucleotide variant.
Coding change: c.1784T>G on transcript NM_001384732.1 (MANE Select); coding-DNA position 1784, T replaced by G.
Protein change: p.Leu595Ter; replaces leucine 595 with a stop codon.
Molecular consequence: nonsense.
Genome position (GRCh38, 1-based): chr5:37,226,811, A>C on the plus strand (T>G on the coding strand, the complement: CPLANE1 is on the minus strand). VCF-style: chr5-37226811-A-C. GRCh37 (hg19) VCF-style: chr5-37226913-A-C.
Other names: c.1784T>G, p.Leu595Ter (NM_023073.4); short protein forms L595*.
Identifiers: ClinVar variation 217580 (VCV000217580.40), dbSNP rs530569572, ClinGen allele CA277773.
Genomic context (GRCh38, chr5:37,226,811, plus strand): 5'-GGACATTTTATAAATTGAAGAATGTAAAAAAAATGAGTGATACAAACTACTATGTAATTT[A>C]ACATTAAATTTTTTTCTGTCACAGTTTTTGAAATTCCTATAGTCCACGCTGCAAGTAGAC-3'

ClinVar aggregate classification (germline): Pathogenic. Review status: criteria provided, multiple submitters, no conflicts (2 of 4 stars). 9 submissions from 9 submitters: Pathogenic (9). Last evaluated 2026-04-23.

Conditions:
Orofaciodigital syndrome type 6 (OFD6). Also called: OROFACIODIGITAL SYNDROME VI; OFDS VI; POLYDACTYLY, CLEFT LIP/PALATE OR LINGUAL LUMP, AND PSYCHOMOTOR RETARDATION; VARADI SYNDROME; VARADI-PAPP SYNDROME; Oral-facial-digital syndrome type 6. Identifiers: MedGen C2745997, MONDO:0010176, OMIM 277170, Orphanet 2754.
Joubert syndrome 17 (JBTS17). Identifiers: Orphanet 475, MedGen C3553264, MONDO:0013824, OMIM 614615.
Joubert syndrome and related disorders. Identifiers: Orphanet 140874, MedGen C5679612, MONDO:0015369.
C5ORF42 & CPLANE1-related disorders.

Allele frequency attached by ClinVar (database versions not stated): gnomAD 0.00006; TOPMed 0.00006; gnomAD exomes 0.00008 and 0.00022.
gnomAD v4.1: 311 of 1,549,732 alleles (0.02%); highest among the groups gnomAD compares: Non-Finnish European, 0.027%; no homozygotes.

Submissions (9):

Dasa
Classification: Pathogenic. Last evaluated: 2026-04-23. Review status: criteria provided, single submitter. Criteria: DASA Assertion Criteria. Collection method: clinical testing. Allele origin: germline.
Comment: NM_001384732.1(CPLANE1):c.1784T>G (p.Leu595*) introduces a premature termination codon predicted to result in loss of normal protein function. Loss-of-function is an established mechanism of disease for this gene. This variant has been observed in affected individuals with related phenotype in a genotype context consistent with recessive disease (PMID: 25407461; PMID: 25533962; PMID: 26092869). This variant has been recurrently observed in individuals with related phenotype (PMID: 25407461; PMID: 25533962; PMID: 26092869). The variant is present at low frequency in population datasets. Based on the available data, this variant is classified as pathogenic.

Labcorp Genetics (formerly Invitae), Labcorp
Classification: Pathogenic. Last evaluated: 2026-01-25. Review status: criteria provided, single submitter. Criteria: Invitae Variant Classification Sherloc (09022015). Collection method: clinical testing. Allele origin: germline.
Comment: This sequence change creates a premature translational stop signal (p.Leu595*) in the CPLANE1 gene. It is expected to result in an absent or disrupted protein product. Loss-of-function variants in CPLANE1 are known to be pathogenic (PMID: 24178751, 26092869). This variant is present in population databases (rs530569572, gnomAD 0.02%). This premature translational stop signal has been observed in individual(s) with Joubert syndrome (PMID: 25407461, 25533962, 26092869). This variant is also known as C5ORF42 p.Leu595*. ClinVar contains an entry for this variant (Variation ID: 217580). For these reasons, this variant has been classified as Pathogenic.

CeGaT Center for Human Genetics Tuebingen
Classification: Pathogenic. Last evaluated: 2024-11-01. Review status: criteria provided, single submitter. Criteria: CeGaT Center For Human Genetics Tuebingen Variant Classification Criteria Version 2. Collection method: clinical testing. Allele origin: germline. Affected: yes. Observed: 1 variant allele.
Comment: CPLANE1: PVS1, PM2

GeneDx
Classification: Pathogenic. Last evaluated: 2024-08-28. Review status: criteria provided, single submitter. Criteria: GeneDx Variant Classification Process June 2021. Collection method: clinical testing. Allele origin: germline. Affected: yes.
Comment: Nonsense variant predicted to result in protein truncation or nonsense mediated decay in a gene for which loss of function is a known mechanism of disease; This variant is associated with the following publications: (PMID: 25407461, 25533962, 34426522, 26092869)

Blueprint Genetics
Classification: Pathogenic for C5ORF42 & CPLANE1-related disorders. Last evaluated: 2024-06-29. Review status: criteria provided, single submitter. Criteria: ACMG Guidelines, 2015. Collection method: clinical testing. Allele origin: germline. Affected: yes. Observed: 5 variant alleles.

Fulgent Genetics
Classification: Pathogenic for Orofaciodigital syndrome type 6; Joubert syndrome 17. Last evaluated: 2024-04-06. Review status: criteria provided, single submitter. Criteria: ACMG Guidelines, 2015. Collection method: clinical testing. Allele origin: germline.

Women's Health and Genetics/Laboratory Corporation of America, LabCorp
Classification: Pathogenic for Joubert syndrome and related disorders. Last evaluated: 2023-04-10. Review status: criteria provided, single submitter. Criteria: LabCorp Variant Classification Summary - May 2015. Collection method: clinical testing. Allele origin: germline.
Comment: Variant summary: CPLANE1 c.1784T>G (p.Leu595X) results in a premature termination codon, predicted to cause a truncation of the encoded protein or absence of the protein due to nonsense mediated decay, which are commonly known mechanisms for disease. Truncations downstream of this position have been classified as pathogenicin ClinVar and assocaited with Joubert syndrome in HGMD. The variant was absent in 186216 control chromosomes. c.1784T>G has been reported in the literature in multiple individuals affected with Joubert Syndrome And Related Disorders (examples: Romani_2015, Bachman-Gagescu_2015, Fleming_2017). These data indicate that the variant is very likely to be associated with disease. To our knowledge, no experimental evidence demonstrating an impact on protein function has been reported. Five clinical diagnostic laboratories have submitted clinical-significance assessments for this variant to ClinVar after 2014 without evidence for independent evaluation. All laboratories classified the variant as pathogenic. Based on the evidence outlined above, the variant was classified as pathogenic.

Centre for Mendelian Genomics, University Medical Centre Ljubljana
Classification: Pathogenic. Last evaluated: 2019-06-06. Review status: criteria provided, single submitter. Criteria: ACMG Guidelines, 2015. Collection method: clinical testing. Allele origin: unknown. Affected: yes.
Comment: This variant was classified as: Pathogenic. The following ACMG criteria were applied in classifying this variant: PVS1,PM2,PP5.

UW Hindbrain Malformation Research Program, University of Washington
Classification: Pathogenic for Joubert syndrome 17. Last evaluated: 2015-02-23. Review status: criteria provided, single submitter. Criteria: Bachmann-Gagescu et al. (J Med Genet. 2015). Collection method: research. Allele origin: unknown. Affected: yes.

Literature cited by the submitters: PubMed 25407461 (cited by 3 submitters); PubMed 25533962 (cited by Dasa and Labcorp Genetics (formerly Invitae), Labcorp); PubMed 26092869 (cited by 3 submitters); PubMed 24178751 (cited by Labcorp Genetics (formerly Invitae), Labcorp); PubMed 29146704 (cited by Women's Health and Genetics/Laboratory Corporation of America, LabCorp).